The following is an entry in ClinVar:

ClinVar aggregate classification (germline): Uncertain significance (1 of 4 stars; one submission).

Conditions:
IGF1R-related disorder. Also called: IGF1R-related condition.

gnomAD v4.1: 6 of 1,613,254 alleles (0.00037%); highest among the groups gnomAD compares: South Asian, 0.0055%; no homozygotes.

Submission:

PreventionGenetics, part of Exact Sciences
Classification: Uncertain significance for IGF1R-related condition. Last evaluated: 2026-02-03. Review status: criteria provided, single submitter. Criteria: ACMG Guidelines, 2015. Collection method: clinical testing. Allele origin: germline.
Comment: The IGF1R c.4072G>A variant is predicted to result in the amino acid substitution p.Ala1358Thr. To our knowledge, this variant has not been reported in the literature. This variant is reported in 0.0065% of alleles in individuals of South Asian descent in gnomAD. At this time, the clinical significance of this variant is uncertain due to the absence of conclusive functional and genetic evidence.

NM_000875.5(IGF1R):c.4072G>A (p.Ala1358Thr)

Gene: IGF1R (insulin like growth factor 1 receptor; plus strand). Cytogenetic location: 15q26.3.
Variant type: single nucleotide variant.
Coding change: c.4072G>A on transcript NM_000875.5 (MANE Select); coding-DNA position 4072, G replaced by A.
Protein change: p.Ala1358Thr; replaces alanine 1358 with threonine.
Molecular consequence: missense variant.
Genome position (GRCh38, 1-based): chr15:98,957,410, G>A. VCF-style: chr15-98957410-G-A. GRCh37 (hg19) VCF-style: chr15-99500639-G-A.
Other names: c.4069G>A, p.Ala1357Thr (NM_001291858.2); short protein forms A1357T, A1358T.
Identifiers: ClinVar variation 4978979 (VCV004978979.1).
Genomic context (GRCh38, chr15:98,957,410, plus strand): 5'-GCCAGCTTCGACGAGAGACAGCCTTACGCCCACATGAACGGGGGCCGCAAGAACGAGCGG[G>A]CCTTGCCGCTGCCCCAGTCTTCGACCTGCTGATCCTTGGATCCTGAATCTGTGCAAACAG-3'
Protein context (NP_000866.1, residues 1348-1367): HMNGGRKNER[Ala1358Thr]LPLPQSSTC